The following is an entry in ClinVar:

ClinVar aggregate classification (germline): Likely benign. Review status: criteria provided, multiple submitters, no conflicts (2 of 4 stars). 2 submissions from 2 submitters: Likely benign (2). Last evaluated 2024-08-01.

Conditions:
Glanzmann thrombasthenia. Also called: THROMBASTHENIA OF GLANZMANN AND NAEGELI; Glanzmann's thrombasthenia; PLATELET GLYCOPROTEIN IIb-IIIa DEFICIENCY; Thrombasthenia. Identifiers: Orphanet 849, MedGen C0040015, MONDO:0100326.

Allele frequency attached by ClinVar (database versions not stated): TOPMed 0.00183; 1000 Genomes Project 30x 0.00312; 1000 Genomes Project 0.00379.
gnomAD v4.1: 636 of 734,916 alleles (0.087%); highest among the groups gnomAD compares: East Asian, 1.3%; 2 homozygotes.

Submissions (2):

Blueprint Genetics
Classification: Likely benign. Last evaluated: 2024-08-01. Review status: criteria provided, single submitter. Criteria: ACMG Guidelines, 2015. Collection method: clinical testing. Allele origin: germline.

Illumina Laboratory Services, Illumina
Classification: Likely benign for Glanzmann thrombasthenia 1. Last evaluated: 2018-01-13. Review status: criteria provided, single submitter. Criteria: ICSL Variant Classification Criteria 13 December 2019. Collection method: clinical testing. Allele origin: germline.
Comment: This variant was observed in the ICSL laboratory as part of a predisposition screen in an ostensibly healthy population. It had not been previously curated by ICSL or reported in the Human Gene Mutation Database (HGMD: prior to June 1st, 2018), and was therefore a candidate for classification through an automated scoring system. Utilizing variant allele frequency, disease prevalence and penetrance estimates, and inheritance mode, an automated score was calculated to assess if this variant is too frequent to cause the disease. Based on the score and internal cut-off values, a variant classified as likely benign is not then subjected to further curation. The score for this variant resulted in a classification of likely benign for this disease.

NM_000419.5(ITGA2B):c.*150C>A

Gene: ITGA2B (integrin subunit alpha 2b; minus strand). Cytogenetic location: 17q21.31.
Variant type: single nucleotide variant.
Coding change: c.*150C>A on transcript NM_000419.5 (MANE Select); 150 bases downstream of the stop codon, C replaced by A.
Molecular consequence: 3 prime UTR variant.
Genome position (GRCh38, 1-based): chr17:44,372,214, G>T on the plus strand (C>A on the coding strand, the complement: ITGA2B is on the minus strand). VCF-style: chr17-44372214-G-T. GRCh37 (hg19) VCF-style: chr17-42449582-G-T.
Other names: c.*150C>A (LRG_479t1).
Identifiers: ClinVar variation 323540 (VCV000323540.6), dbSNP rs77992265, ClinGen allele CA10639810.